The following is an entry in ClinVar:

NM_005219.5(DIAPH1):c.1634C>T (p.Thr545Ile)

Gene: DIAPH1 (diaphanous related formin 1; minus strand). Cytogenetic location: 5q31.3.
Variant type: single nucleotide variant.
Coding change: c.1634C>T on transcript NM_005219.5 (MANE Select); coding-DNA position 1634, C replaced by T.
Protein change: p.Thr545Ile; replaces threonine 545 with isoleucine.
Molecular consequence: missense variant.
Genome position (GRCh38, 1-based): chr5:141,574,974, G>A on the plus strand (C>T on the coding strand, the complement: DIAPH1 is on the minus strand). VCF-style: chr5-141574974-G-A. GRCh37 (hg19) VCF-style: chr5-140954541-G-A.
Other names: c.1607C>T, p.Thr536Ile (NM_001079812.3); c.1634C>T, p.Thr545Ile (NM_001314007.2); short protein forms T536I, T545I.
Identifiers: ClinVar variation 1949731 (VCV001949731.5), dbSNP rs1243204186, ClinGen allele CA361522930.

ClinVar aggregate classification (germline): Uncertain significance (1 of 4 stars; one submission).

Conditions:
Autosomal dominant nonsyndromic hearing loss 1. Also called: DEAFNESS, AUTOSOMAL DOMINANT 1, WITH OR WITHOUT THROMBOCYTOPENIA; KONIGSMARK SYNDROME. Identifiers: Orphanet 90635, MedGen C1852282, MONDO:0007424, OMIM 124900.
Progressive microcephaly-seizures-cortical blindness-developmental delay syndrome. Also called: Seizures, cortical blindness, and microcephaly syndrome. Identifiers: Orphanet 477814, MedGen C5567650, MONDO:0014714, OMIM 616632.

Allele frequency attached by ClinVar (database versions not stated): gnomAD exomes below 0.00001.
gnomAD v4.1: 2 of 1,614,146 alleles (0.00012%); highest among the groups gnomAD compares: South Asian, 0.0022%; no homozygotes.

Submission:

Labcorp Genetics (formerly Invitae), Labcorp
Classification: Uncertain significance for Progressive microcephaly-seizures-cortical blindness-developmental delay syndrome; Autosomal dominant nonsyndromic hearing loss 1. Last evaluated: 2023-02-03. Review status: criteria provided, single submitter. Criteria: Invitae Variant Classification Sherloc (09022015). Collection method: clinical testing. Allele origin: germline.
Comment: In summary, the available evidence is currently insufficient to determine the role of this variant in disease. Therefore, it has been classified as a Variant of Uncertain Significance. Algorithms developed to predict the effect of missense changes on protein structure and function are either unavailable or do not agree on the potential impact of this missense change (SIFT: "Deleterious"; PolyPhen-2: "Not Available"; Align-GVGD: "Class C0"). This variant has not been reported in the literature in individuals affected with DIAPH1-related conditions. This variant is present in population databases (no rsID available, gnomAD 0.003%). This sequence change replaces threonine, which is neutral and polar, with isoleucine, which is neutral and non-polar, at codon 545 of the DIAPH1 protein (p.Thr545Ile).